The following is an entry in ClinVar:

NM_006017.3(PROM1):c.1403C>A (p.Thr468Asn)

Gene: PROM1 (prominin 1; minus strand). Cytogenetic location: 4p15.32.
Variant type: single nucleotide variant.
Coding change: c.1403C>A on transcript NM_006017.3 (MANE Select); coding-DNA position 1403, C replaced by A.
Protein change: p.Thr468Asn; replaces threonine 468 with asparagine.
Molecular consequence: missense variant. On other transcripts: non-coding transcript variant (2).
Genome position (GRCh38, 1-based): chr4:16,006,589, G>T on the plus strand (C>A on the coding strand, the complement: PROM1 is on the minus strand). VCF-style: chr4-16006589-G-T. GRCh37 (hg19) VCF-style: chr4-16008212-G-T.
Other names: c.1376C>A, p.Thr459Asn (NM_001145847.2, NM_001145848.2, NM_001145851.2 and 9 more transcripts); c.1403C>A, p.Thr468Asn (NM_001145849.2, NM_001145850.2); c.1292C>A, p.Thr431Asn (NM_001441174.1); c.1037C>A, p.Thr346Asn (NM_001441179.1); short protein forms T431N, T346N, T459N, T468N.
Identifiers: ClinVar variation 4780612 (VCV004780612.2).

ClinVar aggregate classification (germline): Uncertain significance. Review status: criteria provided, multiple submitters, no conflicts (2 of 4 stars). 2 submissions from 2 submitters: Uncertain significance (2). Last evaluated 2025-04-10.

gnomAD v4.1: 3 of 1,606,124 alleles (0.00019%); highest among the groups gnomAD compares: Middle Eastern, 0.017%; no homozygotes.

Submissions (2):

Labcorp Genetics (formerly Invitae), Labcorp
Classification: Uncertain significance. Last evaluated: 2025-04-10. Review status: criteria provided, single submitter. Criteria: Invitae Variant Classification Sherloc (09022015). Collection method: clinical testing. Allele origin: germline.
Comment: This sequence change replaces threonine, which is neutral and polar, with asparagine, which is neutral and polar, at codon 468 of the PROM1 protein (p.Thr468Asn). This variant is not present in population databases (gnomAD no frequency). This variant has not been reported in the literature in individuals affected with PROM1-related conditions. Invitae Evidence Modeling of protein sequence and biophysical properties (such as structural, functional, and spatial information, amino acid conservation, physicochemical variation, residue mobility, and thermodynamic stability) indicates that this missense variant is expected to disrupt PROM1 protein function with a positive predictive value of 80%. In summary, the available evidence is currently insufficient to determine the role of this variant in disease. Therefore, it has been classified as a Variant of Uncertain Significance.

Blueprint Genetics
Classification: Uncertain significance. Last evaluated: 2020-02-27. Review status: criteria provided, single submitter. Criteria: ACMG Guidelines, 2015. Collection method: clinical testing. Allele origin: germline.